The following is an entry in ClinVar:

ClinVar aggregate classification (germline): Likely benign (1 of 4 stars; one submission).

Allele frequency attached by ClinVar (database versions not stated): gnomAD 0.00300 and 0.00317; TOPMed 0.00318; 1000 Genomes Project 30x 0.00234; 1000 Genomes Project 0.00280.

Submission:

GeneDx
Classification: Likely benign. Last evaluated: 2017-08-02. Review status: criteria provided, single submitter. Criteria: GeneDx Variant Classification (06012015). Collection method: clinical testing. Allele origin: germline. Affected: yes.
Comment: This variant is considered likely benign or benign based on one or more of the following criteria: it is a conservative change, it occurs at a poorly conserved position in the protein, it is predicted to be benign by multiple in silico algorithms, and/or has population frequency not consistent with disease.

NM_000244.4(MEN1):c.-40G>C

Gene: MEN1 (menin 1; minus strand). Cytogenetic location: 11q13.1.
Variant type: single nucleotide variant.
Coding change: c.-40G>C on transcript NM_000244.4; 40 bases upstream of the start codon, G replaced by C.
Molecular consequence: 5 prime UTR variant. On other transcripts: intron variant (2).
Genome position (GRCh38, 1-based): chr11:64,810,646, C>G on the plus strand (G>C on the coding strand, the complement: MEN1 is on the minus strand). VCF-style: chr11-64810646-C-G. GRCh37 (hg19) VCF-style: chr11-64578118-C-G.
Other names: c.-40G>C (NM_001407144.1, NM_001407148.1, NM_130799.3); c.-24+168G>C (NM_130804.3, NM_130803.3).
Identifiers: ClinVar variation 383942 (VCV000383942.3), dbSNP rs552417059, ClinGen allele CA16606966.
Genomic context (GRCh38, chr11:64,810,646, plus strand): 5'-CCCTAGGGTCGCACTACCCGCCGGGAAGTGGAGTCTGGGCCCACCCCTGCCCCGCTGAGC[C>G]TGGAAATAGTGGCGGGCCGGGCCGCTGCGCTGTGGCTTCTGGGATCTCTAGGTCCGCGGC-3'